The following is an entry in ClinVar:

ClinVar aggregate classification (germline): Benign. Review status: criteria provided, multiple submitters, no conflicts (2 of 4 stars). 2 submissions from 2 submitters: Benign (2). Last evaluated 2017-04-27.

Conditions:
Amyotrophic neuralgia (HNA). Also called: AMYOTROPHY, HEREDITARY NEURALGIC; Hereditary Brachial Plexus Neuropathy; Neuritis with Brachial Predilection; AMYOTROPHY, HEREDITARY NEURALGIC, WITH PREDILECTION FOR BRACHIAL PLEXUS. Identifiers: Orphanet 2901, MedGen C1834304, MONDO:0008076, OMIM 162100.

Allele frequency attached by ClinVar (database versions not stated): ExAC 0.03455; gnomAD 0.07524 and 0.07882; TOPMed 0.08400; 1000 Genomes Project 0.09964; 1000 Genomes Project 30x 0.10041.
gnomAD v4.1: 18,530 of 538,832 alleles (3.4%); highest among the groups gnomAD compares: African/African-American, 25%; 1,796 homozygotes.

Submissions (2):

Illumina Laboratory Services, Illumina
Classification: Benign for Amyotrophy, hereditary neuralgic. Last evaluated: 2017-04-27. Review status: criteria provided, single submitter. Criteria: ICSL Variant Classification Criteria 13 December 2019. Collection method: clinical testing. Allele origin: germline.
Comment: This variant was observed as part of a predisposition screen in an ostensibly healthy population. A literature search was performed for the gene, cDNA change, and amino acid change (where applicable). No publications were found based on this search. Allele frequency data from public databases was too high to be consistent with this variant causing disease. Therefore, this variant is classified as benign.

Breakthrough Genomics
Classification: Benign. Review status: criteria provided, single submitter. Criteria: ACMG Guidelines, 2015. Collection method: not provided. Allele origin: germline. Inheritance: Autosomal dominant inheritance. Affected: yes.

NM_001113491.2(SEPTIN9):c.*764C>G

Gene: SEPTIN9 (septin 9; plus strand). Cytogenetic location: 17q25.3.
Variant type: single nucleotide variant.
Coding change: c.*764C>G on transcript NM_001113491.2 (MANE Select); 764 bases downstream of the stop codon, C replaced by G.
Molecular consequence: 3 prime UTR variant.
Genome position (GRCh38, 1-based): chr17:77,499,422, C>G. VCF-style: chr17-77499422-C-G. GRCh37 (hg19) VCF-style: chr17-75495504-C-G.
Other names: c.*764C>G (NM_001113492.2, NM_001113493.2, NM_001113494.1 and 7 more transcripts).
Identifiers: ClinVar variation 325597 (VCV000325597.6), dbSNP rs422959, ClinGen allele CA8794044.
Genomic context (GRCh38, chr17:77,499,422, plus strand): 5'-CCTGCCATCCCCCTCTCACGCCACCCCCGCCCCCACCGGGCTGCAGGTGCTGCTGATGCG[C>G]TGGGATCTGATTGAGGATAAAAAGGAAGGAGAGATGACCCCTACCCCCTCATCCCCCAGT-3'